The following is an entry in ClinVar:

ClinVar aggregate classification (germline): Benign/Likely benign. Review status: criteria provided, multiple submitters, no conflicts (2 of 4 stars). 4 submissions from 4 submitters: Benign (1); Likely benign (3). Last evaluated 2026-03-01.

Allele frequency attached by ClinVar (database versions not stated): 1000 Genomes Project 30x 0.00484; 1000 Genomes Project 0.00499; ESP Exome Variant Server 0.00509; TOPMed 0.00584; gnomAD 0.00624; gnomAD exomes 0.00643 and 0.00837; ExAC 0.00859.
gnomAD v4.1: 12,593 of 1,548,088 alleles (0.81%); highest among the groups gnomAD compares: Non-Finnish European, 0.94%; 58 homozygotes.

Submissions (4):

CeGaT Center for Human Genetics Tuebingen
Classification: Likely benign. Last evaluated: 2026-03-01. Review status: criteria provided, single submitter. Criteria: CeGaT Center For Human Genetics Tuebingen Variant Classification Criteria Version 2. Collection method: clinical testing. Allele origin: germline. Affected: yes. Observed: 6 variant alleles.
Comment: MUC5B: BP4, BS2

Labcorp Genetics (formerly Invitae), Labcorp
Classification: Benign. Last evaluated: 2019-12-31. Review status: criteria provided, single submitter. Criteria: Invitae Variant Classification Sherloc (09022015). Collection method: clinical testing. Allele origin: germline.

Laboratory for Molecular Medicine, Mass General Brigham Personalized Medicine
Classification: Likely benign. Last evaluated: 2018-02-20. Review status: criteria provided, single submitter. Criteria: LMM Criteria. Collection method: clinical testing. Allele origin: germline. Observed: 1 variant allele.
Comment: Val5276Leu in exon 36 of MUC5B: This variant is not expected to have clinical si gnificance because it has been identified in 1.6% (132/8294) of Ashkenazi Jewish chromosomes by the Genome Aggregation Database (gnomAD; gnomad.broadinstitute.o rg; dbSNP rs55893724).

Breakthrough Genomics
Classification: Likely benign. Review status: criteria provided, single submitter. Criteria: ACMG Guidelines, 2015. Collection method: not provided. Allele origin: germline. Inheritance: Autosomal dominant inheritance. Affected: yes.

NM_002458.3(MUC5B):c.15826G>T (p.Val5276Leu)

Gene: MUC5B (mucin 5B, oligomeric mucus/gel-forming; plus strand). Cytogenetic location: 11p15.5.
Variant type: single nucleotide variant.
Coding change: c.15826G>T on transcript NM_002458.3 (MANE Select); coding-DNA position 15826, G replaced by T.
Protein change: p.Val5276Leu; replaces valine 5276 with leucine.
Molecular consequence: missense variant.
Genome position (GRCh38, 1-based): chr11:1,255,202, G>T. VCF-style: chr11-1255202-G-T. GRCh37 (hg19) VCF-style: chr11-1276432-G-T.
Other names: short protein forms V5276L.
Identifiers: ClinVar variation 666717 (VCV000666717.33), dbSNP rs55893724, ClinGen allele CA5809182.